The following is an entry in ClinVar:

ClinVar aggregate classification (germline): Uncertain significance. Review status: criteria provided, multiple submitters, no conflicts (2 of 4 stars). 2 submissions from 2 submitters: Uncertain significance (2). Last evaluated 2024-10-02.

Submissions (2):

Greenwood Genetic Center Diagnostic Laboratories, Greenwood Genetic Center
Classification: Uncertain significance. Last evaluated: 2024-10-02. Review status: criteria provided, single submitter. Criteria: ACMG Guidelines, 2015. Collection method: clinical testing. Allele origin: germline. Affected: yes.
Comment: PM2

Revvity Omics, Revvity
Classification: Uncertain significance. Last evaluated: 2022-01-17. Review status: criteria provided, single submitter. Criteria: ACMG Guidelines, 2015. Collection method: clinical testing. Allele origin: germline.

NM_001375524.1(TRRAP):c.2622+3A>G

Gene: TRRAP (transformation/transcription domain associated protein; plus strand). Cytogenetic location: 7q22.1.
Variant type: single nucleotide variant.
Coding change: c.2622+3A>G on transcript NM_001375524.1 (MANE Select); 3 bases into the intron after coding-DNA position 2622, A replaced by G.
Molecular consequence: intron variant.
Genome position (GRCh38, 1-based): chr7:98,917,682, A>G. VCF-style: chr7-98917682-A-G. GRCh37 (hg19) VCF-style: chr7-98515305-A-G.
Other names: c.2622+3A>G (NM_001244580.2, NM_003496.4).
Identifiers: ClinVar variation 2437378 (VCV002437378.4), dbSNP rs1789570916, ClinGen allele CA1728807461.
Genomic context (GRCh38, chr7:98,917,682, plus strand): 5'-CCTGCAGCCCGACTTCCTCTACGACCACATCCAGCCGGTGCGCGCAGAGCTCATGCAGGT[A>G]GGATTTTAGTGAGGTTGTTAGCTGGCTGCTTCCCTGGAAGCAGTGGGCCGTCATTGGGTT-3'